The following is an entry in ClinVar:

NM_001354930.2(RIPK1):c.1006+5A>C

Gene: RIPK1 (receptor interacting serine/threonine kinase 1; plus strand). Cytogenetic location: 6p25.2.
Variant type: single nucleotide variant.
Coding change: c.1006+5A>C on transcript NM_001354930.2 (MANE Select); 5 bases into the intron after coding-DNA position 1006, A replaced by C.
Molecular consequence: intron variant.
Genome position (GRCh38, 1-based): chr6:3,104,320, A>C. VCF-style: chr6-3104320-A-C. GRCh37 (hg19) VCF-style: chr6-3104554-A-C.
Other names: c.517+5A>C (NM_001317061.3, NM_001354932.2, NM_001354934.2 and 1 more transcripts); c.1006+5A>C (NM_003804.6); c.868+5A>C (NM_001354931.2).
Identifiers: ClinVar variation 3671228 (VCV003671228.2).

ClinVar aggregate classification (germline): Uncertain significance (1 of 4 stars; one submission).

Submission:

Labcorp Genetics (formerly Invitae), Labcorp
Classification: Uncertain significance. Last evaluated: 2024-02-20. Review status: criteria provided, single submitter. Criteria: Invitae Variant Classification Sherloc (09022015). Collection method: clinical testing. Allele origin: germline.
Comment: This sequence change falls in intron 8 of the RIPK1 gene. It does not directly change the encoded amino acid sequence of the RIPK1 protein. It affects a nucleotide within the consensus splice site. This variant is not present in population databases (gnomAD no frequency). This variant has not been reported in the literature in individuals affected with RIPK1-related conditions. Variants that disrupt the consensus splice site are a relatively common cause of aberrant splicing (PMID: 17576681, 9536098). Algorithms developed to predict the effect of sequence changes on RNA splicing suggest that this variant is not likely to affect RNA splicing. In summary, the available evidence is currently insufficient to determine the role of this variant in disease. Therefore, it has been classified as a Variant of Uncertain Significance.

Literature cited by the submitters: PubMed 17576681; PubMed 9536098.